The following is an entry in ClinVar:

ClinVar aggregate classification (germline): Uncertain significance (1 of 4 stars; one submission).

Conditions:
Neurofibromatosis, type 1 (NF1). Also called: VON RECKLINGHAUSEN DISEASE; Neurofibromatosis, type I; NEUROFIBROMATOSIS, TYPE I, SOMATIC; Peripheral type neurofibromatosis. Identifiers: Orphanet 636, MedGen C0027831, MONDO:0018975, OMIM 162200. Disease mechanism: loss of function.

Submission:

Labcorp Genetics (formerly Invitae), Labcorp
Classification: Uncertain significance for Neurofibromatosis, type 1. Last evaluated: 2023-10-09. Review status: criteria provided, single submitter. Criteria: Invitae Variant Classification Sherloc (09022015). Collection method: clinical testing. Allele origin: germline.
Comment: This sequence change replaces valine, which is neutral and non-polar, with alanine, which is neutral and non-polar, at codon 1242 of the NF1 protein (p.Val1242Ala). This variant is not present in population databases (gnomAD no frequency). This variant has not been reported in the literature in individuals affected with NF1-related conditions. Advanced modeling of protein sequence and biophysical properties (such as structural, functional, and spatial information, amino acid conservation, physicochemical variation, residue mobility, and thermodynamic stability) has been performed at Invitae for this missense variant, however the output from this modeling did not meet the statistical confidence thresholds required to predict the impact of this variant on NF1 protein function. In summary, the available evidence is currently insufficient to determine the role of this variant in disease. Therefore, it has been classified as a Variant of Uncertain Significance.

NM_001042492.3(NF1):c.3725T>C (p.Val1242Ala)

Gene: NF1 (neurofibromin 1; plus strand). Cytogenetic location: 17q11.2.
Variant type: single nucleotide variant.
Coding change: c.3725T>C on transcript NM_001042492.3 (MANE Select); coding-DNA position 3725, T replaced by C.
Protein change: p.Val1242Ala; replaces valine 1242 with alanine.
Molecular consequence: missense variant.
Genome position (GRCh38, 1-based): chr17:31,235,627, T>C. VCF-style: chr17-31235627-T-C. GRCh37 (hg19) VCF-style: chr17-29562645-T-C.
Other names: c.3725T>C, p.Val1242Ala (NM_000267.4); short protein forms V1242A.
Identifiers: ClinVar variation 2767132 (VCV002767132.3), dbSNP rs2067185801, ClinGen allele CA398992339.
Genomic context (GRCh38, chr17:31,235,627, plus strand): 5'-AAAATGGGATTGTTTGCACTAACCTGATTTTGTTTTGTTCTCAGGATGAACTAGCTCGAG[T>C]TCTGGTTACTCTGTTTGATTCTCGGCATTTACTCTACCAACTGCTCTGGAACATGTTTTC-3'
Protein context (NP_001035957.1, residues 1232-1252): PCSQWDELAR[Val1242Ala]LVTLFDSRHL